The following is an entry in ClinVar:

NM_012280.4(FTSJ1):c.303C>T (p.Ile101=)

Gene: FTSJ1 (FtsJ RNA 2'-O-methyltransferase 1; plus strand). Cytogenetic location: Xp11.23.
Variant type: single nucleotide variant.
Coding change: c.303C>T on transcript NM_012280.4 (MANE Select); coding-DNA position 303, C replaced by T.
Protein change: p.Ile101=; no amino-acid change (isoleucine 101 retained).
Molecular consequence: synonymous variant.
Genome position (GRCh38, 1-based): chrX:48,479,058, C>T. VCF-style: chrX-48479058-C-T. GRCh37 (hg19) VCF-style: chrX-48337446-C-T.
Other names: c.-56C>T (NM_001282157.2); c.303C>T, p.Ile101= (NM_177439.3).
Identifiers: ClinVar variation 751124 (VCV000751124.16), dbSNP rs370444222, ClinGen allele CA10402526.

ClinVar aggregate classification (germline): Benign/Likely benign. Review status: criteria provided, multiple submitters, no conflicts (2 of 4 stars). 2 submissions from 2 submitters: Benign (1); Likely benign (1). Last evaluated 2025-02-01.

Allele frequency attached by ClinVar (database versions not stated): ExAC 0.00003; gnomAD 0.00003; gnomAD exomes 0.00003 and 0.00004; TOPMed 0.00004; ESP Exome Variant Server 0.00009.
gnomAD v4.1: 50 of 1,204,164 alleles (0.0042%); highest among the groups gnomAD compares: Middle Eastern, 0.023%; no homozygotes.

Submissions (2):

CeGaT Center for Human Genetics Tuebingen
Classification: Likely benign. Last evaluated: 2025-02-01. Review status: criteria provided, single submitter. Criteria: CeGaT Center For Human Genetics Tuebingen Variant Classification Criteria Version 2. Collection method: clinical testing. Allele origin: germline. Affected: yes. Observed: 1 variant allele.
Comment: FTSJ1: BP4, BP7, BS2

Labcorp Genetics (formerly Invitae), Labcorp
Classification: Benign. Last evaluated: 2018-09-14. Review status: criteria provided, single submitter. Criteria: Invitae Variant Classification Sherloc (09022015). Collection method: clinical testing. Allele origin: germline.